The following is an entry in ClinVar:

ClinVar aggregate classification (germline): Uncertain significance (1 of 4 stars; one submission).

gnomAD v4.1: 15 of 1,614,052 alleles (0.00093%); highest among the groups gnomAD compares: East Asian, 0.0022%; no homozygotes.

Submission:

Labcorp Genetics (formerly Invitae), Labcorp
Classification: Uncertain significance. Last evaluated: 2025-06-24. Review status: criteria provided, single submitter. Criteria: Invitae Variant Classification Sherloc (09022015). Collection method: clinical testing. Allele origin: germline.
Comment: This sequence change replaces arginine, which is basic and polar, with tryptophan, which is neutral and slightly polar, at codon 235 of the CYP7A1 protein (p.Arg235Trp). This variant is present in population databases (rs778528720, gnomAD 0.003%). This variant has not been reported in the literature in individuals affected with CYP7A1-related conditions. Invitae Evidence Modeling of protein sequence and biophysical properties (such as structural, functional, and spatial information, amino acid conservation, physicochemical variation, residue mobility, and thermodynamic stability) has been performed for this missense variant. However, the output from this modeling did not meet the statistical confidence thresholds required to predict the impact of this variant on CYP7A1 protein function. In summary, the available evidence is currently insufficient to determine the role of this variant in disease. Therefore, it has been classified as a Variant of Uncertain Significance.

NM_000780.4(CYP7A1):c.703C>T (p.Arg235Trp)

Gene: CYP7A1 (cytochrome P450 family 7 subfamily A member 1; minus strand). Cytogenetic location: 8q12.1.
Variant type: single nucleotide variant.
Coding change: c.703C>T on transcript NM_000780.4 (MANE Select); coding-DNA position 703, C replaced by T.
Protein change: p.Arg235Trp; replaces arginine 235 with tryptophan.
Molecular consequence: missense variant.
Genome position (GRCh38, 1-based): chr8:58,496,809, G>A on the plus strand (C>T on the coding strand, the complement: CYP7A1 is on the minus strand). VCF-style: chr8-58496809-G-A. GRCh37 (hg19) VCF-style: chr8-59409368-G-A.
Other names: short protein forms R235W.
Identifiers: ClinVar variation 4737135 (VCV004737135.1).